The following is an entry in ClinVar:

NM_004082.5(DCTN1):c.3621C>T (p.Leu1207=)

Gene: DCTN1 (dynactin subunit 1; minus strand). Cytogenetic location: 2p13.1.
Variant type: single nucleotide variant.
Coding change: c.3621C>T on transcript NM_004082.5 (MANE Select); coding-DNA position 3621, C replaced by T.
Protein change: p.Leu1207=; no amino-acid change (leucine 1207 retained).
Molecular consequence: synonymous variant. On other transcripts: non-coding transcript variant (1).
Genome position (GRCh38, 1-based): chr2:74,362,130, G>A on the plus strand (C>T on the coding strand, the complement: DCTN1 is on the minus strand). VCF-style: chr2-74362130-G-A. GRCh37 (hg19) VCF-style: chr2-74589257-G-A.
Other names: c.3546C>T, p.Leu1182= (NM_001135040.3); c.3204C>T, p.Leu1068= (NM_001135041.3); c.3495C>T, p.Leu1165= (NM_001190836.2); c.3600C>T, p.Leu1200= (NM_001190837.2); c.3570C>T, p.Leu1190= (NM_001378991.1); c.3552C>T, p.Leu1184= (NM_001378992.1); c.3219C>T, p.Leu1073= (NM_023019.4).
Identifiers: ClinVar variation 895456 (VCV000895456.34), dbSNP rs1032786897, ClinGen allele CA50474016.

ClinVar aggregate classification (germline): Conflicting classifications of pathogenicity. Review status: criteria provided, conflicting classifications (1 of 4 stars). 4 submissions from 3 submitters: Uncertain significance (2); Likely benign (2). Last evaluated 2024-05-31.

Conditions:
Neuronopathy, distal hereditary motor, type 7B. Also called: NEURONOPATHY, DISTAL HEREDITARY MOTOR, HARDING TYPE VIIB; NEUROPATHY, DISTAL HEREDITARY MOTOR, HARDING TYPE VIIB; NEUROPATHY, DISTAL HEREDITARY MOTOR, WITH VOCAL CORD PARALYSIS, HARDING TYPE VIIB; Distal Hereditary Motor Neuronopathy Type 7B (dHMN7B); HMN VIIB; LOWER MOTOR NEURON DISEASE, DYNACTIN TYPE. Identifiers: Orphanet 139589, MedGen C1843315, MONDO:0011879, OMIM 607641.
Amyotrophic lateral sclerosis type 1 (ALS1). Also called: AMYOTROPHIC LATERAL SCLEROSIS 1, FAMILIAL. Identifiers: Orphanet 803, MedGen C1862939, MONDO:0007103, OMIM 105400.
Perry syndrome. Also called: PARKINSONISM WITH ALVEOLAR HYPOVENTILATION AND MENTAL DEPRESSION. Identifiers: Orphanet 178509, MedGen C1868594, MONDO:0008201, OMIM 168605.

Allele frequency attached by ClinVar (database versions not stated): TOPMed below 0.00001; gnomAD exomes 0.00001.
gnomAD v4.1: 8 of 1,613,734 alleles (0.0005%); highest among the groups gnomAD compares: Non-Finnish European, 0.00068%; no homozygotes.

Submissions (4):

Labcorp Genetics (formerly Invitae), Labcorp
Classification: Likely benign for Amyotrophic lateral sclerosis type 1; Neuronopathy, distal hereditary motor, type 7B; Perry syndrome. Last evaluated: 2024-05-31. Review status: criteria provided, single submitter. Criteria: Invitae Variant Classification Sherloc (09022015). Collection method: clinical testing. Allele origin: germline.

CeGaT Center for Human Genetics Tuebingen
Classification: Likely benign. Last evaluated: 2023-11-01. Review status: criteria provided, single submitter. Criteria: CeGaT Center For Human Genetics Tuebingen Variant Classification Criteria Version 2. Collection method: clinical testing. Allele origin: germline. Affected: yes. Observed: 1 variant allele.
Comment: DCTN1: BP4, BP7

Illumina Laboratory Services, Illumina
Classification: Uncertain significance for Perry syndrome. Last evaluated: 2018-01-13. Review status: criteria provided, single submitter. Criteria: ICSL Variant Classification Criteria 13 December 2019. Collection method: clinical testing. Allele origin: germline.

Illumina Laboratory Services, Illumina
Classification: Uncertain significance for Neuronopathy, distal hereditary motor, type 7B. Last evaluated: 2018-01-13. Review status: criteria provided, single submitter. Criteria: ICSL Variant Classification Criteria 13 December 2019. Collection method: clinical testing. Allele origin: germline.